The following is an entry in ClinVar:

NM_000170.3(GLDC):c.2311G>A (p.Gly771Arg)

Gene: GLDC (glycine decarboxylase; minus strand). Cytogenetic location: 9p24.1.
Variant type: single nucleotide variant.
Coding change: c.2311G>A on transcript NM_000170.3 (MANE Select); coding-DNA position 2311, G replaced by A.
Protein change: p.Gly771Arg; replaces glycine 771 with arginine.
Molecular consequence: missense variant.
Genome position (GRCh38, 1-based): chr9:6,554,673, C>T on the plus strand (G>A on the coding strand, the complement: GLDC is on the minus strand). VCF-style: chr9-6554673-C-T. GRCh37 (hg19) VCF-style: chr9-6554673-C-T.
Other names: short protein forms G771R.
Identifiers: ClinVar variation 56072 (VCV000056072.19), dbSNP rs386833553, ClinGen allele CA263359.

ClinVar aggregate classification (germline): Pathogenic. Review status: criteria provided, multiple submitters, no conflicts (2 of 4 stars). 8 submissions from 8 submitters: Pathogenic (6). 2 of the submissions do not count toward it. Last evaluated 2025-10-01.

Conditions:
Glycine encephalopathy 1 (GCE1). Identifiers: MedGen CN376801, MONDO:0958179, OMIM 605899.
Glycine encephalopathy. Also called: Nonketotic hyperglycinemia; Non-ketotic hyperglycinemia. Identifiers: Orphanet 407, MedGen C0751748, MONDO:0011612, HP:0008288.

Allele frequency attached by ClinVar (database versions not stated): gnomAD exomes 0.00001; gnomAD 0.00003 and 0.00004; TOPMed 0.00003.
gnomAD v4.1: 17 of 1,607,430 alleles (0.0011%); highest among the groups gnomAD compares: African/African-American, 0.004%; no homozygotes.

Submissions (8):

Department of Clinical Genetics, Copenhagen University Hospital, Rigshospitalet
Classification: Pathogenic for Glycine encephalopathy 1. Last evaluated: 2025-10-01. Review status: criteria provided, single submitter. Criteria: ACMG Guidelines, 2015. Collection method: clinical testing. Allele origin: germline.
Comment: The following ACMG criteria has been used: PP4_st, PP1_su, PP3_m, PP2_su, PM3_Vst

Genomic Medicine Center of Excellence, King Faisal Specialist Hospital and Research Centre
Classification: Pathogenic for Glycine encephalopathy 1. Last evaluated: 2025-09-10. Review status: criteria provided, single submitter. Criteria: ACMG Guidelines, 2015. Collection method: clinical testing. Allele origin: germline.

Labcorp Genetics (formerly Invitae), Labcorp
Classification: Pathogenic for Glycine encephalopathy. Last evaluated: 2024-06-17. Review status: criteria provided, single submitter. Criteria: Invitae Variant Classification Sherloc (09022015). Collection method: clinical testing. Allele origin: germline.
Comment: This sequence change replaces glycine, which is neutral and non-polar, with arginine, which is basic and polar, at codon 771 of the GLDC protein (p.Gly771Arg). This variant is present in population databases (rs386833553, gnomAD 0.005%). This missense change has been observed in individual(s) with nonketotic hyperglycinemia (PMID: 16450403, 17361008, 27362913). In at least one individual the variant was observed to be de novo. ClinVar contains an entry for this variant (Variation ID: 56072). Advanced modeling of protein sequence and biophysical properties (such as structural, functional, and spatial information, amino acid conservation, physicochemical variation, residue mobility, and thermodynamic stability) performed at Invitae indicates that this missense variant is expected to disrupt GLDC protein function with a positive predictive value of 80%. For these reasons, this variant has been classified as Pathogenic.

Natera, Inc.
Classification: Pathogenic for Non-ketotic hyperglycinemia. Last evaluated: 2024-05-01. Review status: criteria provided, single submitter. Criteria: Natera Variant Classification Schema (03/2026). Collection method: clinical testing. Allele origin: germline.
Comment: The c.2311G>A variant in GLDC is a missense variant predicted to cause substitution of glycine to arginine at amino acid 771. This variant is rare in the general population with a frequency below the threshold expected for the associated phenotype(s). This variant has been observed in one or more individuals affected with the associated recessive disease, as either homozygous or compound heterozygous with a second variant (PMID: 27362913). Computational prediction algorithms indicate this variant is likely to affect gene or protein function. Given the available evidence, this variant is classified as Pathogenic.

Women's Health and Genetics/Laboratory Corporation of America, LabCorp
Classification: Pathogenic for Glycine encephalopathy. Last evaluated: 2023-02-20. Review status: criteria provided, single submitter. Criteria: LabCorp Variant Classification Summary - May 2015. Collection method: clinical testing. Allele origin: germline.
Comment: Variant summary: GLDC c.2311G>A (p.Gly771Arg) results in a non-conservative amino acid change in the encoded protein sequence. Five of five in-silico tools predict a damaging effect of the variant on protein function. The variant was absent in 249518 control chromosomes. c.2311G>A has been reported in the literature in multiple individuals affected with Glycine Encephalopathy (Non-Ketotic Hyperglycinemia) including homozygous, compound heterozygous (confirmed in trans) and even a de novo patient (Kure_2006, Kanno_2007, Coughlin_2017). These data indicate that the variant is very likely to be associated with disease. Three clinical diagnostic laboratories have submitted clinical-significance assessments for this variant to ClinVar after 2014 without evidence for independent evaluation. All laboratories classified the variant as pathogenic/likely pathogenic. Based on the evidence outlined above, the variant was classified as pathogenic.

Revvity Omics, Revvity
Classification: Pathogenic for Glycine encephalopathy 1. Last evaluated: 2021-05-11. Review status: criteria provided, single submitter. Criteria: ACMG Guidelines, 2015. Collection method: clinical testing. Allele origin: germline.

Counsyl
Classification: Likely pathogenic for Glycine encephalopathy 1. Last evaluated: 2017-05-17. Review status: no assertion criteria provided. Collection method: clinical testing. Allele origin: unknown. Not counted in ClinVar's aggregate classification.

Juha Muilu Group; Institute for Molecular Medicine Finland (FIMM)
Classification: Likely pathogenic for Non-ketotic hyperglycinemia. Review status: no assertion criteria provided. Collection method: not provided. Allele origin: unknown. Not counted in ClinVar's aggregate classification.
Comment: FinDis database variant: This variant was not found or characterized by our laboratory, data were collected from public sources: see reference
ClinVar note: Converted during submission from probable-pathogenic to Likely pathogenic.

Literature cited by the submitters: PubMed 16450403 (cited by 3 submitters); PubMed 17361008 (cited by 3 submitters); PubMed 27362913 (cited by 3 submitters); PubMed 16601880 (cited by Counsyl); PubMed 26179960 (cited by Counsyl); PubMed 20933183 (cited by Counsyl).